The following is an entry in ClinVar:

ClinVar aggregate classification (germline): Pathogenic/Likely pathogenic. Review status: criteria provided, multiple submitters, no conflicts (2 of 4 stars). 14 submissions from 14 submitters: Pathogenic (10); Likely pathogenic (1). 3 of the submissions do not count toward it. Last evaluated 2025-09-24.

Conditions:
EDA-related disorder. Also called: EDA-related disorders; EDA-related condition.
Hypohidrotic X-linked ectodermal dysplasia (XHED). Also called: ECTODERMAL DYSPLASIA, HYPOHIDROTIC, 1; CST SYNDROME; Christ-Siemans-Touraine syndrome; Ectodermal Dysplasia 1, Anhidrotic; ECTODERMAL DYSPLASIA 1; Anhidrotic ectodermal dysplasia X-linked. Identifiers: Orphanet 181, Orphanet 238468, MedGen C0162359, MONDO:0010585, OMIM 305100.

Submissions (14):

3billion
Classification: Pathogenic for Hypohidrotic X-linked ectodermal dysplasia. Last evaluated: 2025-09-24. Review status: criteria provided, single submitter. Criteria: ACMG Guidelines, 2015. Collection method: clinical testing. Allele origin: germline. Affected: yes.
Comment: The variant is observed at an extremely low frequency in the gnomAD v4.1.0 dataset (total allele frequency: <0.001%). Predicted Consequence/Location: Inframe deletion located in a repeat region: not predicted to disrupt normal protein function. The variant has been observed in multiple (>3) similarly affected unrelated individuals (PMID: 31796081, 31924237). The variant has been reported at least twice as pathogenic with clinical assertions and evidence for the classification (ClinVar ID: VCV000044200 /PMID: 9736768 /3billion dataset). Therefore, this variant is classified as Pathogenic according to the recommendation of ACMG/AMP guideline.

Variantyx, Inc.
Classification: Pathogenic for Hypohidrotic X-linked ectodermal dysplasia. Last evaluated: 2025-09-11. Review status: criteria provided, single submitter. Criteria: Variantyx Assertion Criteria 2022. Collection method: clinical testing. Allele origin: maternal. Inheritance: X-linked recessive inheritance.
Comment: This is an inframe substitution variant in the EDA gene (OMIM: 300451). Pathogenic variants in this gene have been associated with X-linked hypohidrotic ectodermal dysplasia 1. This variant has been reported in at least 1 affected individual (PMID: 27305980) (PS4), and has a 0.0021% maximum allele frequency in non-founder control populations (PM2). Based on the current evidence, this variant is classified as pathogenic for X-linked hypohidrotic ectodermal dysplasia 1.

Labcorp Genetics (formerly Invitae), Labcorp
Classification: Pathogenic for Hypohidrotic X-linked ectodermal dysplasia. Last evaluated: 2025-08-26. Review status: criteria provided, single submitter. Criteria: Invitae Variant Classification Sherloc (09022015). Collection method: clinical testing. Allele origin: germline.
Comment: This variant, c.572_589del, results in the deletion of 6 amino acid(s) of the EDA protein (p.Pro191_Pro196del), but otherwise preserves the integrity of the reading frame. This variant is not present in population databases (gnomAD no frequency). This variant has been observed in individual(s) with hypohidrotic ectodermal dysplasia (PMID: 9736768, 11279189, 27305980). In at least one individual the variant was observed to be de novo. This variant is also known as 801/814del18. ClinVar contains an entry for this variant (Variation ID: 44200). Experimental studies and prediction algorithms are not available or were not evaluated, and the functional significance of this variant is currently unknown. For these reasons, this variant has been classified as Pathogenic.

GeneDx
Classification: Pathogenic. Last evaluated: 2025-03-19. Review status: criteria provided, single submitter. Criteria: GeneDx Variant Classification Process June 2021. Collection method: clinical testing. Allele origin: germline. Affected: yes.
Comment: In silico analysis supports a deleterious effect on protein structure/function; In-frame deletion of 6 amino acid(s) in a non-repeat region; Not observed at significant frequency in large population cohorts (gnomAD); This variant is associated with the following publications: (PMID: 26345974, 20979233, 11279189, 31924237, 31796081, 30394555, 27305980, 9736768, 37525042)

Natera, Inc.
Classification: Pathogenic for Christ-Siemens-Touraine syndrome. Last evaluated: 2024-10-11. Review status: criteria provided, single submitter. Criteria: Natera Variant Classification Schema (03/2026). Collection method: clinical testing. Allele origin: germline.
Comment: The c.572_589del variant in EDA is an in-frame deletion. This variant is rare in the general population with a frequency below the threshold expected for the associated phenotype(s). This variant has been observed in affected individual(s) with monoallelic occurrence (heterozygous/hemizygous) (PMID: 37525042, 31796081, 11279189). This variant has been confirmed as or assumed to be a de novo occurrence in one or more affected individuals (PMID: 11279189). This variant results in a change to the protein length while preserving reading frame, which may disrupt normal protein structure or function. Given the available evidence, this variant is classified as Pathogenic.

Greenwood Genetic Center Diagnostic Laboratories, Greenwood Genetic Center
Classification: Likely pathogenic for EDA-related disorder. Last evaluated: 2024-08-29. Review status: criteria provided, single submitter. Criteria: ACMG Guidelines, 2015. Collection method: clinical testing. Allele origin: germline. Affected: yes.
Comment: PM2, PM4, PM6

Blueprint Genetics
Classification: Pathogenic for EDA-related disorders. Last evaluated: 2024-04-22. Review status: criteria provided, single submitter. Criteria: ACMG Guidelines, 2015. Collection method: clinical testing. Allele origin: germline. Affected: yes. Observed: 5 variant alleles.

Institute of Human Genetics, University of Leipzig Medical Center
Classification: Pathogenic for Hypohidrotic X-linked ectodermal dysplasia. Last evaluated: 2024-01-08. Review status: criteria provided, single submitter. Criteria: ACMG Guidelines, 2015. Collection method: clinical testing. Allele origin: unknown. Inheritance: X-linked dominant inheritance. Affected: yes.
Comment: Criteria applied: PS4,PM1,PM4,PS2_SUP,PM2_SUP

Women's Health and Genetics/Laboratory Corporation of America, LabCorp
Classification: Pathogenic for Hypohidrotic X-linked ectodermal dysplasia. Last evaluated: 2022-02-08. Review status: criteria provided, single submitter. Criteria: LabCorp Variant Classification Summary - May 2015. Collection method: clinical testing. Allele origin: germline.
Comment: Variant summary: EDA c.572_589del18 (p.Pro191_Pro196del) results in an in-frame deletion that is predicted to remove 6 amino acids from the encoded protein. The variant was absent in 126835 control chromosomes (gnomAD). c.572_589del18 has been reported in the literature in multiple individuals/families affected with Hypohidrotic X-Linked Ectodermal Dysplasia (e.g. Bayes_1998, Schneider_2001, Martinez-Romero_2019, Wohlfart_2020). These data indicate that the variant is very likely to be associated with disease. Three ClinVar submitters (evaluation after 2014) cite the variant as pathogenic. Based on the evidence outlined above, the variant was classified as pathogenic.

CeGaT Center for Human Genetics Tuebingen
Classification: Pathogenic. Last evaluated: 2021-05-01. Review status: criteria provided, single submitter. Criteria: CeGaT Center For Human Genetics Tuebingen Variant Classification Criteria Version 2. Collection method: clinical testing. Allele origin: germline. Affected: yes. Observed: 2 variant alleles.

Laboratory for Molecular Medicine, Mass General Brigham Personalized Medicine
Classification: Pathogenic for Hypohidrotic X-linked ectodermal dysplasia. Last evaluated: 2012-04-10. Review status: criteria provided, single submitter. Criteria: LMM Criteria. Collection method: clinical testing. Allele origin: germline. Inheritance: X-linked inheritance. Observed: 2 variant alleles.
Comment: The Pro191_Pro196del (EDA) has not been reported in one individual with X-linked anhidrotic ectodermal dysplasia (Bayes 1998). This variant results in an in-fra me deletion of 6 amino acids from the conserved Gly-X-Y repeats of the collagen subdomain of the EDA protein. Several adjacent and overlapping in-frame deletion s have been identified in patients with clinical features of X-linked hypohidrot ic ectodermal dysplasia (Bayes 1998, Cluzeau 2011, LMM unpublished data). In sum mary, this variant meets our criteria to be classified as pathogenic.

Department of Pediatric and Adolescent Medicine, University of Erlangen
Classification: Pathogenic for Hypohidrotic X-linked ectodermal dysplasia. Last evaluated: 2025-01-07. Review status: no assertion criteria provided. Collection method: clinical testing. Allele origin: germline. Affected: yes. Not counted in ClinVar's aggregate classification.

PreventionGenetics, part of Exact Sciences
Classification: Pathogenic for EDA-related condition. Last evaluated: 2024-01-26. Review status: no assertion criteria provided. Collection method: clinical testing. Allele origin: germline. Not counted in ClinVar's aggregate classification.
Comment: The EDA c.572_589del18 variant is predicted to result in an in-frame deletion (p.Pro191_Pro196del). This variant is also a deletion in the collagen triple helix repeat domain of the EDA protein. This variant has been reported in patients affected with ectodermal dysplasia (Bayés et al. 1998. PubMed ID: 9736768; Wohlfart et al. 2016. PubMed ID: 27305980). Several similar deletions have also been reported to be pathogenic (Cluzeau et al. 2011. PubMed: 20979233; Schneider et al. 2011. PubMed: 21357618). This variant has not been reported in a large population database, indicating this variant is rare. This variant is interpreted as pathogenic.

Genomic Medicine Center of Excellence, King Faisal Specialist Hospital and Research Centre
Classification: Uncertain significance for Hypohidrotic X-linked ectodermal dysplasia. Last evaluated: 2024-03-25. Review status: flagged submission. Criteria: ACMG Guidelines, 2015. Collection method: clinical testing. Allele origin: germline. Not counted in ClinVar's aggregate classification.
ClinVar note: Reason: Outlier claim with insufficient supporting evidence

Literature cited by the submitters: PubMed 9736768 (cited by 4 submitters); PubMed 31924237 (cited by 3billion and Women's Health and Genetics/Laboratory Corporation of America, LabCorp); PubMed 31796081 (cited by 3 submitters); PubMed 11279189 (cited by 4 submitters); PubMed 27305980 (cited by Variantyx, Inc. and Labcorp Genetics (formerly Invitae), Labcorp); PubMed 37525042 (cited by Natera, Inc.); PubMed 20979233 (cited by Laboratory for Molecular Medicine, Mass General Brigham Personalized Medicine).

NC_000023.11:g.70027902_70027919del

Gene: EDA (ectodysplasin A; plus strand). Cytogenetic location: Xq13.1.
Variant type: Deletion.
Genome position: GRCh38 VCF-style: chrX-70027888-CCCTCCAGGACCCCCAGGA-C. GRCh37 (hg19) VCF-style: chrX-69247738-CCCTCCAGGACCCCCAGGA-C.
Other names: c.572_589del, p.188_190PGP[1] (NM_001005609.2, NM_001005612.3, NM_001399.5).
Identifiers: ClinVar variation 44200 (VCV000044200.62), dbSNP rs397516668, ClinGen allele CA261498.
Genomic context (GRCh38, chrX:70,027,888, plus strand): 5'-AAAAAGTAACACTGAATCCTATTTTTCAGGAAAGAAAGCAGGACCTCCTGGACCCAATGG[CCCTCCAGGACCCCCAGGA>C]CCTCCAGGACCCCAGGGACCCCCAGGAATTCCAGGGATTCCTGGAATTCCAGGAACAACT-3'